The following is an entry in ClinVar:

ClinVar aggregate classification (germline): Uncertain significance (1 of 4 stars; one submission).

Conditions:
CHD3-related disorder. Also called: CHD3-related condition.

Submission:

PreventionGenetics, part of Exact Sciences
Classification: Uncertain significance for CHD3-related condition. Last evaluated: 2025-03-26. Review status: criteria provided, single submitter. Criteria: ACMG Guidelines, 2015. Collection method: clinical testing. Allele origin: germline.
Comment: The CHD3 c.446G>C variant is predicted to result in the amino acid substitution p.Ser149Thr. To our knowledge, this variant has not been reported in the literature or in a large population database (gnomAD), indicating this variant is rare. At this time, the clinical significance of this variant is uncertain due to the absence of conclusive functional and genetic evidence.

NM_001005273.3(CHD3):c.269G>C (p.Ser90Thr)

Gene: CHD3 (chromodomain helicase DNA binding protein 3; plus strand). Cytogenetic location: 17p13.1.
Variant type: single nucleotide variant.
Coding change: c.269G>C on transcript NM_001005273.3 (MANE Select); coding-DNA position 269, G replaced by C.
Protein change: p.Ser90Thr; replaces serine 90 with threonine.
Molecular consequence: missense variant.
Genome position (GRCh38, 1-based): chr17:7,890,626, G>C. VCF-style: chr17-7890626-G-C. GRCh37 (hg19) VCF-style: chr17-7793944-G-C.
Other names: c.446G>C, p.Ser149Thr (NM_001005271.3, NM_001437504.1, NM_001437507.1 and 2 more transcripts); c.269G>C, p.Ser90Thr (NM_005852.4); short protein forms S90T, S149T.
Identifiers: ClinVar variation 4997632 (VCV004997632.1).
Genomic context (GRCh38, chr17:7,890,626, plus strand): 5'-CTTAGGACAGTGAGGAGGAATTTGGTTCTGAGCGAGATGAGTACCGGGAGAAGTCAGAGA[G>C]TGGGGGCAGTGAATATGGAACCGGACCGGGTCGGAAACGAAGAAGGAAGCACCGAGAAAA-3'
Protein context (NP_001005273.1, residues 80-100): ERDEYREKSE[Ser90Thr]GGSEYGTGPG